The following is an entry in ClinVar:

ClinVar aggregate classification (germline): Uncertain significance (1 of 4 stars; one submission).

Submission:

GeneDx
Classification: Uncertain significance. Last evaluated: 2024-03-10. Review status: criteria provided, single submitter. Criteria: GeneDx Variant Classification Process June 2021. Collection method: clinical testing. Allele origin: germline. Affected: yes.
Comment: Not observed at significant frequency in large population cohorts (gnomAD); In silico analysis supports that this missense variant has a deleterious effect on protein structure/function; In silico analysis supports that this missense variant has a deleterious effect on splicing; Has not been previously published as pathogenic or benign to our knowledge

NM_004046.6(ATP5F1A):c.650G>C (p.Gly217Ala)

Gene: ATP5F1A (ATP synthase F1 subunit alpha; minus strand). Cytogenetic location: 18q21.1.
Variant type: single nucleotide variant.
Coding change: c.650G>C on transcript NM_004046.6 (MANE Select); coding-DNA position 650, G replaced by C.
Protein change: p.Gly217Ala; replaces glycine 217 with alanine.
Molecular consequence: missense variant.
Genome position (GRCh38, 1-based): chr18:46,089,566, C>G on the plus strand (G>C on the coding strand, the complement: ATP5F1A is on the minus strand). VCF-style: chr18-46089566-C-G. GRCh37 (hg19) VCF-style: chr18-43669532-C-G.
Other names: c.500G>C, p.Gly167Ala (NM_001001935.3, NM_001257335.2); c.650G>C, p.Gly217Ala (NM_001001937.2); c.584G>C, p.Gly195Ala (NM_001257334.2); short protein forms G167A, G195A, G217A.
Identifiers: ClinVar variation 3373478 (VCV003373478.1).